The following is an entry in ClinVar:

NM_000245.4(MET):c.3812T>A (p.Val1271Glu)

Gene: MET (MET proto-oncogene, receptor tyrosine kinase; plus strand). Cytogenetic location: 7q31.2.
Variant type: single nucleotide variant.
Coding change: c.3812T>A on transcript NM_000245.4 (MANE Select); coding-DNA position 3812, T replaced by A.
Protein change: p.Val1271Glu; replaces valine 1271 with glutamic acid.
Molecular consequence: missense variant.
Genome position (GRCh38, 1-based): chr7:116,795,668, T>A. VCF-style: chr7-116795668-T-A. GRCh37 (hg19) VCF-style: chr7-116435722-T-A.
Other names: c.3866T>A, p.Val1289Glu (NM_001127500.3); c.2522T>A, p.Val841Glu (NM_001324402.2); short protein forms V1289E, V1271E, V841E.
Identifiers: ClinVar variation 2074806 (VCV002074806.4), dbSNP rs2117107432, ClinGen allele CA369117748.

ClinVar aggregate classification (germline): Uncertain significance (1 of 4 stars; one submission).

Conditions:
Renal cell carcinoma. Identifiers: Orphanet 217071, MedGen C0007134, MeSH D002292, MONDO:0005086, HP:0005584.

Submission:

Labcorp Genetics (formerly Invitae), Labcorp
Classification: Uncertain significance for Renal cell carcinoma. Last evaluated: 2022-07-19. Review status: criteria provided, single submitter. Criteria: Invitae Variant Classification Sherloc (09022015). Collection method: clinical testing. Allele origin: germline.
Comment: This sequence change replaces valine, which is neutral and non-polar, with glutamic acid, which is acidic and polar, at codon 1289 of the MET protein (p.Val1289Glu). In summary, the available evidence is currently insufficient to determine the role of this variant in disease. Therefore, it has been classified as a Variant of Uncertain Significance. Algorithms developed to predict the effect of missense changes on protein structure and function (SIFT, PolyPhen-2, Align-GVGD) all suggest that this variant is likely to be disruptive. This variant has not been reported in the literature in individuals affected with MET-related conditions. This variant is not present in population databases (gnomAD no frequency).